The following is an entry in ClinVar:

NM_001379286.1(ZNF423):c.988A>G (p.Lys330Glu)

Gene: ZNF423 (zinc finger protein 423; minus strand). Cytogenetic location: 16q12.1.
Variant type: single nucleotide variant.
Coding change: c.988A>G on transcript NM_001379286.1 (MANE Select); coding-DNA position 988, A replaced by G.
Protein change: p.Lys330Glu; replaces lysine 330 with glutamic acid.
Molecular consequence: missense variant.
Genome position (GRCh38, 1-based): chr16:49,638,188, T>C on the plus strand (A>G on the coding strand, the complement: ZNF423 is on the minus strand). VCF-style: chr16-49638188-T-C. GRCh37 (hg19) VCF-style: chr16-49672099-T-C.
Other names: c.784A>G, p.Lys262Glu (NM_001271620.2); c.613A>G, p.Lys205Glu (NM_001330533.2); c.964A>G, p.Lys322Glu (NM_015069.5); short protein forms K205E, K262E, K330E, K322E.
Identifiers: ClinVar variation 1367922 (VCV001367922.8), dbSNP rs778618400, ClinGen allele CA8046774.

ClinVar aggregate classification (germline): Uncertain significance (1 of 4 stars; one submission).

Conditions:
Nephronophthisis 14 (NPHP14). Identifiers: Orphanet 2318, MedGen C3539071, MONDO:0013916, OMIM 614844.

Allele frequency attached by ClinVar (database versions not stated): ExAC 0.00001; gnomAD exomes 0.00002 and 0.00003.
gnomAD v4.1: 18 of 1,608,274 alleles (0.0011%); highest among the groups gnomAD compares: East Asian, 0.04%; no homozygotes.

Submission:

Labcorp Genetics (formerly Invitae), Labcorp
Classification: Uncertain significance for Nephronophthisis 14. Last evaluated: 2022-08-31. Review status: criteria provided, single submitter. Criteria: Invitae Variant Classification Sherloc (09022015). Collection method: clinical testing. Allele origin: germline.
Comment: In summary, the available evidence is currently insufficient to determine the role of this variant in disease. Therefore, it has been classified as a Variant of Uncertain Significance. Algorithms developed to predict the effect of missense changes on protein structure and function are either unavailable or do not agree on the potential impact of this missense change (SIFT: "Deleterious"; PolyPhen-2: "Possibly Damaging"; Align-GVGD: "Class C0"). ClinVar contains an entry for this variant (Variation ID: 1367922). This variant has not been reported in the literature in individuals affected with ZNF423-related conditions. This variant is present in population databases (rs778618400, gnomAD 0.02%). This sequence change replaces lysine, which is basic and polar, with glutamic acid, which is acidic and polar, at codon 322 of the ZNF423 protein (p.Lys322Glu).